The following is an entry in ClinVar:

ClinVar aggregate classification (germline): Uncertain significance (1 of 4 stars; one submission).

Submission:

Labcorp Genetics (formerly Invitae), Labcorp
Classification: Uncertain significance. Last evaluated: 2024-07-08. Review status: criteria provided, single submitter. Criteria: Invitae Variant Classification Sherloc (09022015). Collection method: clinical testing. Allele origin: germline.
Comment: This sequence change replaces lysine, which is basic and polar, with glutamic acid, which is acidic and polar, at codon 212 of the HNF4A protein (p.Lys212Glu). This variant is not present in population databases (gnomAD no frequency). This variant has not been reported in the literature in individuals affected with HNF4A-related conditions. Advanced modeling of protein sequence and biophysical properties (such as structural, functional, and spatial information, amino acid conservation, physicochemical variation, residue mobility, and thermodynamic stability) has been performed at Invitae for this missense variant, however the output from this modeling did not meet the statistical confidence thresholds required to predict the impact of this variant on HNF4A protein function. In summary, the available evidence is currently insufficient to determine the role of this variant in disease. Therefore, it has been classified as a Variant of Uncertain Significance.

NM_175914.5(HNF4A):c.634A>G (p.Lys212Glu)

Gene: HNF4A (hepatocyte nuclear factor 4 alpha; plus strand). Cytogenetic location: 20q13.12.
Variant type: single nucleotide variant.
Coding change: c.634A>G on transcript NM_175914.5 (MANE Select); coding-DNA position 634, A replaced by G.
Protein change: p.Lys212Glu; replaces lysine 212 with glutamic acid.
Molecular consequence: missense variant.
Genome position (GRCh38, 1-based): chr20:44,418,476, A>G. VCF-style: chr20-44418476-A-G. GRCh37 (hg19) VCF-style: chr20-43047116-A-G.
Other names: c.700A>G, p.Lys234Glu (NM_000457.6, NM_178849.3, NM_178850.3); c.634A>G, p.Lys212Glu (NM_001030003.3, NM_001030004.3); c.679A>G, p.Lys227Glu (NM_001258355.2); c.625A>G, p.Lys209Glu (NM_001287182.2, NM_001287183.2, NM_001287184.2); short protein forms K209E, K227E, K212E, K234E.
Identifiers: ClinVar variation 3659029 (VCV003659029.2).